The following is an entry in ClinVar:

ClinVar aggregate classification (germline): Uncertain significance (1 of 4 stars; one submission).

Submission:

GeneDx
Classification: Uncertain significance. Last evaluated: 2023-02-06. Review status: criteria provided, single submitter. Criteria: GeneDx Variant Classification Process June 2021. Collection method: clinical testing. Allele origin: germline. Affected: yes.
Comment: Not observed at significant frequency in large population cohorts (gnomAD); In silico analysis supports that this missense variant has a deleterious effect on protein structure/function; Has not been previously published as pathogenic or benign to our knowledge

NM_001007527.2(LMBRD2):c.743T>C (p.Met248Thr)

Gene: LMBRD2 (LMBR1 domain containing 2; minus strand). Cytogenetic location: 5p13.2.
Variant type: single nucleotide variant.
Coding change: c.743T>C on transcript NM_001007527.2 (MANE Select); coding-DNA position 743, T replaced by C.
Protein change: p.Met248Thr; replaces methionine 248 with threonine.
Molecular consequence: missense variant.
Genome position (GRCh38, 1-based): chr5:36,136,313, A>G on the plus strand (T>C on the coding strand, the complement: LMBRD2 is on the minus strand). VCF-style: chr5-36136313-A-G. GRCh37 (hg19) VCF-style: chr5-36136415-A-G.
Other names: short protein forms M248T.
Identifiers: ClinVar variation 2574925 (VCV002574925.1), dbSNP rs1744268801, ClinGen allele CA359451552.
Genomic context (GRCh38, chr5:36,136,313, plus strand): 5'-AAAAGGGGATACATATGACTTAGTGACTATTGCTTATAAGGTTCAAACTTGCTTACCTCC[A>G]TGGCATCTTCCAAATTCTCTTCTGCATCTGCTTTCTCTGTCATCAGTTTGGCTGCCTTAA-3'
Protein context (NP_001007528.1, residues 238-258): ADAEENLEDA[Met248Thr]EEVRKVNESI